The following is an entry in ClinVar:

ClinVar aggregate classification (germline): Uncertain significance (1 of 4 stars; one submission).

Conditions:
Inborn genetic diseases. Identifiers: MedGen C0950123, MeSH D030342.

Submission:

Ambry Genetics
Classification: Uncertain significance for Inborn genetic diseases. Last evaluated: 2024-11-24. Review status: criteria provided, single submitter. Criteria: Ambry Variant Classification Scheme 2023. Collection method: clinical testing. Allele origin: germline.
Comment: The p.D671N variant (also known as c.2011G>A), located in coding exon 22 of the FANCA gene, results from a G to A substitution at nucleotide position 2011. The aspartic acid at codon 671 is replaced by asparagine, an amino acid with highly similar properties. This amino acid position is conserved. In addition, this alteration is predicted to be tolerated by in silico analysis. Based on the available evidence, the clinical significance of this variant remains unclear.

NM_000135.4(FANCA):c.2011G>A (p.Asp671Asn)

Gene: FANCA (FA complementation group A; minus strand). Cytogenetic location: 16q24.3.
Variant type: single nucleotide variant.
Coding change: c.2011G>A on transcript NM_000135.4 (MANE Select); coding-DNA position 2011, G replaced by A.
Protein change: p.Asp671Asn; replaces aspartic acid 671 with asparagine.
Molecular consequence: missense variant.
Genome position (GRCh38, 1-based): chr16:89,773,274, C>T on the plus strand (G>A on the coding strand, the complement: FANCA is on the minus strand). VCF-style: chr16-89773274-C-T. GRCh37 (hg19) VCF-style: chr16-89839682-C-T.
Other names: c.2011G>A, p.Asp671Asn (NM_001286167.3); short protein forms D671N.
Identifiers: ClinVar variation 3512662 (VCV003512662.1).